The following is an entry in ClinVar:

ClinVar aggregate classification (germline): Uncertain significance. Review status: criteria provided, multiple submitters, no conflicts (2 of 4 stars). 3 submissions from 3 submitters: Uncertain significance (3). Last evaluated 2025-10-07.

Conditions:
Hereditary pulmonary alveolar proteinosis. Also called: Pulmonary surfactant metabolism dysfunction. Identifiers: Orphanet 264675, MedGen C3711368, MONDO:0012580.

Allele frequency attached by ClinVar (database versions not stated): gnomAD 0.00003; ExAC 0.00005; TOPMed 0.00005.
gnomAD v4.1: 27 of 1,598,864 alleles (0.0017%); highest among the groups gnomAD compares: East Asian, 0.029%; no homozygotes.

Submissions (3):

Labcorp Genetics (formerly Invitae), Labcorp
Classification: Uncertain significance. Last evaluated: 2025-10-07. Review status: criteria provided, single submitter. Criteria: Invitae Variant Classification Sherloc (09022015). Collection method: clinical testing. Allele origin: germline.
Comment: This sequence change replaces valine, which is neutral and non-polar, with methionine, which is neutral and non-polar, at codon 249 of the SFTPB protein (p.Val249Met). This variant is present in population databases (rs762818048, gnomAD 0.05%). This variant has not been reported in the literature in individuals affected with SFTPB-related conditions. ClinVar contains an entry for this variant (Variation ID: 2393182). Invitae Evidence Modeling of protein sequence and biophysical properties (such as structural, functional, and spatial information, amino acid conservation, physicochemical variation, residue mobility, and thermodynamic stability) has been performed for this missense variant. However, the output from this modeling did not meet the statistical confidence thresholds required to predict the impact of this variant on SFTPB protein function. In summary, the available evidence is currently insufficient to determine the role of this variant in disease. Therefore, it has been classified as a Variant of Uncertain Significance.

Ambry Genetics
Classification: Uncertain significance for Hereditary pulmonary alveolar proteinosis. Last evaluated: 2021-07-13. Review status: criteria provided, single submitter. Criteria: Ambry Variant Classification Scheme 2023. Collection method: clinical testing. Allele origin: germline.

Blueprint Genetics
Classification: Uncertain significance. Last evaluated: 2019-10-09. Review status: criteria provided, single submitter. Criteria: ACMG Guidelines, 2015. Collection method: clinical testing. Allele origin: germline.

NM_000542.5(SFTPB):c.709G>A (p.Val237Met)

Gene: SFTPB (surfactant protein B; minus strand). Cytogenetic location: 2p11.2.
Variant type: single nucleotide variant.
Coding change: c.709G>A on transcript NM_000542.5 (MANE Select); coding-DNA position 709, G replaced by A.
Protein change: p.Val237Met; replaces valine 237 with methionine.
Molecular consequence: missense variant.
Genome position (GRCh38, 1-based): chr2:85,663,811, C>T on the plus strand (G>A on the coding strand, the complement: SFTPB is on the minus strand). VCF-style: chr2-85663811-C-T. GRCh37 (hg19) VCF-style: chr2-85890934-C-T.
Other names: c.709G>A, p.Val237Met (NM_001367281.2, NM_198843.4); short protein forms V237M.
Identifiers: ClinVar variation 2393182 (VCV002393182.4), dbSNP rs762818048, ClinGen allele CA1743948.